The following is an entry in ClinVar:

ClinVar aggregate classification (germline): Pathogenic (1 of 4 stars; one submission).

Submission:

ISCA Site 6
Classification: Pathogenic. Last evaluated: 2011-08-12. Review status: criteria provided, single submitter. Criteria: Kaminsky et al. (Genet Med. 2011). Collection method: clinical testing. Allele origin: unknown. Affected: yes. Observed: 1 variant allele.
Comment: Copy number variation identified through the course of routine clinical cytogenomic testing in postnatal populations. Clinical assertions have been curated as described in Kaminsky et al. 2011.

GRCh38/hg38 1q21.1(chr1:145609216-146046645)x1

Genes: ANKRD34A (ankyrin repeat domain 34A; minus strand), ANKRD35 (ankyrin repeat domain 35; minus strand), ANKRD35-DT (ANKRD35 divergent transcript; plus strand), CD160 (CD160 molecule; plus strand), GPHRA (golgi pH regulator A; plus strand) and 48 more. Cytogenetic location: 1q21.1.
Variant type: copy number loss.
Change: copy number 1 (one copy instead of two) of chr1:145,609,216-146,046,645 (437.4 kb, GRCh38 coordinates, 1-based), cytogenetic band 1q21.1.
Identifiers: ClinVar variation 59870 (VCV000059870.3).